The following is an entry in ClinVar:

ClinVar aggregate classification (germline): Pathogenic (1 of 4 stars; one submission).

Conditions:
Hypokalemic periodic paralysis, type 1. Also called: Hypokalemic Periodic Paralysis Type 1 (AD); HypoPP. Identifiers: Orphanet 681, MedGen C3714580, MONDO:0042979, OMIM 170400.
Malignant hyperthermia, susceptibility to, 5 (MHS5). Also called: CACNA1S-Related Malignant Hyperthermia Susceptibility. Identifiers: Orphanet 423, MedGen C1866077, MONDO:0011163, OMIM 601887.

Submission:

Labcorp Genetics (formerly Invitae), Labcorp
Classification: Pathogenic for Hypokalemic periodic paralysis, type 1; Malignant hyperthermia, susceptibility to, 5. Last evaluated: 2021-08-02. Review status: criteria provided, single submitter. Criteria: Invitae Variant Classification Sherloc (09022015). Collection method: clinical testing. Allele origin: germline.
Comment: This sequence change creates a premature translational stop signal (p.Ala1404Profs*20) in the CACNA1S gene. It is expected to result in an absent or disrupted protein product. Loss-of-function variants in CACNA1S are known to be pathogenic (PMID: 26247046, 28012042). This variant is not present in population databases (ExAC no frequency). This variant has not been reported in the literature in individuals affected with CACNA1S-related conditions. For these reasons, this variant has been classified as Pathogenic.

Literature cited by the submitters: PubMed 26247046; PubMed 28012042.

NM_000069.3(CACNA1S):c.4210del (p.Ala1404fs)

Gene: CACNA1S (calcium voltage-gated channel subunit alpha1 S; minus strand). Cytogenetic location: 1q32.1.
Variant type: Deletion.
Coding change: c.4210del on transcript NM_000069.3 (MANE Select); coding-DNA position 4210, one base deleted (G; older notation c.4210delG).
Protein change: p.Ala1404fs; shifts the reading frame from alanine 1404.
Molecular consequence: frameshift variant.
Genome position (GRCh38, 1-based): chr1:201,050,420, C deleted on the plus strand (G on the coding strand, the reverse complement: CACNA1S is on the minus strand); the first of 2 consecutive C bases (chr1:201,050,420-201,050,421); deleting either gives the same sequence. VCF-style (leftmost placement, unchanged base first): chr1-201050419-GC-G. GRCh37 (hg19) VCF-style: chr1-201019547-GC-G.
Other names: short protein forms A1404fs.
Identifiers: ClinVar variation 1455433 (VCV001455433.7), dbSNP rs2102557481, ClinGen allele CA2573131404.
Genomic context (GRCh38, chr1:201,050,419, plus strand): 5'-CCCAGCACAGAGCCTACAGATTGGACTCACTTAGCCTCTGGGTCATACTCTGCCCAGATG[GC>G]CTTGAACTCATCCAGGTGATGAGGGCCCAGGATGGACCAGTCCCGGGTGAGGTAGTCAAA-3'